The following is an entry in ClinVar:

NM_001378454.1(ALMS1):c.7332_7333insGGA (p.Leu2444_Asn2445insGly)

Gene: ALMS1 (ALMS1 centrosome and basal body associated protein; plus strand). Cytogenetic location: 2p13.1.
Variant type: Insertion.
Coding change: c.7332_7333insGGA on transcript NM_001378454.1 (MANE Select); coding-DNA positions 7332 to 7333, GGA inserted.
Protein change: p.Leu2444_Asn2445insGly.
Molecular consequence: inframe insertion.
Genome position: GRCh38 VCF-style: chr2-73453858-T-TAGG. GRCh37 (hg19) VCF-style: chr2-73680985-T-TAGG.
Other names: c.7335_7336insGGA, p.Leu2445_Asn2446insGly (NM_015120.4).
Identifiers: ClinVar variation 1347090 (VCV001347090.5), dbSNP rs2103793539, ClinGen allele CA2573135791.

ClinVar aggregate classification (germline): Uncertain significance (1 of 4 stars; one submission).

Conditions:
Alstrom syndrome (ALMS). Identifiers: Orphanet 64, MedGen C0268425, MONDO:0008763, OMIM 203800.

Submission:

Labcorp Genetics (formerly Invitae), Labcorp
Classification: Uncertain significance for Alstrom syndrome. Last evaluated: 2021-08-18. Review status: criteria provided, single submitter. Criteria: Invitae Variant Classification Sherloc (09022015). Collection method: clinical testing. Allele origin: germline.
Comment: In summary, the available evidence is currently insufficient to determine the role of this variant in disease. Therefore, it has been classified as a Variant of Uncertain Significance. Experimental studies and prediction algorithms are not available or were not evaluated, and the functional significance of this variant is currently unknown. This variant has not been reported in the literature in individuals affected with ALMS1-related conditions. This variant is not present in population databases (ExAC no frequency). This variant, c.7335_7336insGGA, is a complex sequence change that results in the insertion of 1 amino acid(s) in the ALMS1 protein (p.Leu2445_Asn2446insGly).